The following is an entry in ClinVar:

ClinVar aggregate classification (germline): Uncertain significance (1 of 4 stars; one submission).

Conditions:
Nemaline myopathy 8 (NEM8). Also called: Nemaline myopathy 8, autosomal recessive. Identifiers: Orphanet 171430, MedGen C3809209, MONDO:0014138, OMIM 615348.

gnomAD v4.1: 1 of 1,610,334 alleles (0.000062%); highest among the groups gnomAD compares: Non-Finnish European, 0.000085%; no homozygotes.

Submission:

Labcorp Genetics (formerly Invitae), Labcorp
Classification: Uncertain significance for Nemaline myopathy 8. Last evaluated: 2021-07-08. Review status: criteria provided, single submitter. Criteria: Invitae Variant Classification Sherloc (09022015). Collection method: clinical testing. Allele origin: germline.
Comment: This sequence change replaces alanine with serine at codon 542 of the KLHL40 protein (p.Ala542Ser). The alanine residue is weakly conserved and there is a moderate physicochemical difference between alanine and serine. This variant is not present in population databases (ExAC no frequency). This variant has not been reported in the literature in individuals affected with KLHL40-related conditions. Algorithms developed to predict the effect of missense changes on protein structure and function (SIFT, PolyPhen-2, Align-GVGD) all suggest that this variant is likely to be tolerated. In summary, the available evidence is currently insufficient to determine the role of this variant in disease. Therefore, it has been classified as a Variant of Uncertain Significance.

NM_152393.4(KLHL40):c.1624G>T (p.Ala542Ser)

Gene: KLHL40 (kelch like family member 40; plus strand). Cytogenetic location: 3p22.1.
Variant type: single nucleotide variant.
Coding change: c.1624G>T on transcript NM_152393.4 (MANE Select); coding-DNA position 1624, G replaced by T.
Protein change: p.Ala542Ser; replaces alanine 542 with serine.
Molecular consequence: missense variant.
Genome position (GRCh38, 1-based): chr3:42,690,875, G>T. VCF-style: chr3-42690875-G-T. GRCh37 (hg19) VCF-style: chr3-42732367-G-T.
Other names: short protein forms A542S.
Identifiers: ClinVar variation 1366268 (VCV001366268.8), dbSNP rs1434763715, ClinGen allele CA352295126.